The following is an entry in ClinVar:

NM_020975.6(RET):c.1493C>G (p.Ala498Gly)

Gene: RET (ret proto-oncogene; plus strand). Cytogenetic location: 10q11.21.
Variant type: single nucleotide variant.
Coding change: c.1493C>G on transcript NM_020975.6 (MANE Select); coding-DNA position 1493, C replaced by G.
Protein change: p.Ala498Gly; replaces alanine 498 with glycine.
Molecular consequence: missense variant.
Genome position (GRCh38, 1-based): chr10:43,111,436, C>G. VCF-style: chr10-43111436-C-G. GRCh37 (hg19) VCF-style: chr10-43606884-C-G.
Other names: c.1493C>G, p.Ala498Gly (NM_000323.2, NM_001406743.1, NM_001406744.1 and 6 more transcripts); c.731C>G, p.Ala244Gly (NM_001355216.2); c.1364C>G, p.Ala455Gly (NM_001406761.1, NM_001406762.1, NM_001406764.1 and 1 more transcripts); c.1205C>G, p.Ala402Gly (NM_001406766.1, NM_001406767.1, NM_001406770.1); c.1097C>G, p.Ala366Gly (NM_001406769.1, NM_001406772.1); c.1055C>G, p.Ala352Gly (NM_001406771.1, NM_001406773.1); c.968C>G, p.Ala323Gly (NM_001406774.1); c.767C>G, p.Ala256Gly (NM_001406775.1, NM_001406776.1, NM_001406777.1 and 1 more transcripts); and 1 more; short protein forms A244G, A498G, A366G, A256G, A323G, A352G, A455G, A402G.
Identifiers: ClinVar variation 1502321 (VCV001502321.13), dbSNP rs375677628, ClinGen allele CA376549941.

ClinVar aggregate classification (germline): Uncertain significance. Review status: criteria provided, multiple submitters, no conflicts (2 of 4 stars). 4 submissions from 4 submitters: Uncertain significance (4). Last evaluated 2025-12-28.

Conditions:
RET-related disorder. Also called: RET-related condition; RET-related disease; RET-related disorders.
Hereditary cancer-predisposing syndrome. Also called: Neoplastic Syndromes, Hereditary; Tumor predisposition; Hereditary neoplastic syndrome; Hereditary Cancer Syndrome. Identifiers: Orphanet 140162, MedGen C0027672, MeSH D009386, MONDO:0015356.
Multiple endocrine neoplasia, type 2 (MEN2). Identifiers: Orphanet 653, MedGen C4048306, MONDO:0019003. Disease mechanism: gain of function.

Submissions (4):

Labcorp Genetics (formerly Invitae), Labcorp
Classification: Uncertain significance for Multiple endocrine neoplasia, type 2. Last evaluated: 2025-12-28. Review status: criteria provided, single submitter. Criteria: Invitae Variant Classification Sherloc (09022015). Collection method: clinical testing. Allele origin: germline.
Comment: This sequence change replaces alanine, which is neutral and non-polar, with glycine, which is neutral and non-polar, at codon 498 of the RET protein (p.Ala498Gly). This variant is not present in population databases (gnomAD no frequency). This variant has not been reported in the literature in individuals affected with RET-related conditions. ClinVar contains an entry for this variant (Variation ID: 1502321). An algorithm developed to predict the effect of missense changes on protein structure and function outputs the following: PolyPhen-2: "Benign". The glycine amino acid residue is found in multiple mammalian species, which suggests that this missense change does not adversely affect protein function. In summary, the available evidence is currently insufficient to determine the role of this variant in disease. Therefore, it has been classified as a Variant of Uncertain Significance.

Quest Diagnostics Nichols Institute San Juan Capistrano
Classification: Uncertain significance. Last evaluated: 2025-09-10. Review status: criteria provided, single submitter. Criteria: Quest Diagnostics criteria. Collection method: clinical testing. Allele origin: unknown.

PreventionGenetics, part of Exact Sciences
Classification: Uncertain significance for RET-related condition. Last evaluated: 2025-03-18. Review status: criteria provided, single submitter. Criteria: ACMG Guidelines, 2015. Collection method: clinical testing. Allele origin: germline.
Comment: The RET c.1493C>G variant is predicted to result in the amino acid substitution p.Ala498Gly. To our knowledge, this variant has not been reported in the literature or in a large population database (gnomAD), indicating this variant is rare. This variant is classified as having uncertain clinical significance in ClinVar. At this time, the clinical significance of this variant is uncertain due to the absence of conclusive functional and genetic evidence.

Ambry Genetics
Classification: Uncertain significance for Hereditary cancer-predisposing syndrome. Last evaluated: 2024-05-31. Review status: criteria provided, single submitter. Criteria: Ambry Variant Classification Scheme 2023. Collection method: clinical testing. Allele origin: germline.
Comment: The p.A498G variant (also known as c.1493C>G), located in coding exon 7 of the RET gene, results from a C to G substitution at nucleotide position 1493. The alanine at codon 498 is replaced by glycine, an amino acid with similar properties. This amino acid position is conserved. In addition, this alteration is predicted to be tolerated by in silico analysis. Based on the available evidence, the clinical significance of this variant remains unclear.